The following is an entry in ClinVar:

ClinVar aggregate classification (germline): Pathogenic (1 of 4 stars; one submission).

Submission:

Labcorp Genetics (formerly Invitae), Labcorp
Classification: Pathogenic. Last evaluated: 2021-07-13. Review status: criteria provided, single submitter. Criteria: Invitae Variant Classification Sherloc (09022015). Collection method: clinical testing. Allele origin: germline.
Comment: This variant has not been reported in the literature in individuals affected with MPV17-related conditions. This sequence change creates a premature translational stop signal (p.Tyr70*) in the MPV17 gene. It is expected to result in an absent or disrupted protein product. Loss-of-function variants in MPV17 are known to be pathogenic (PMID: 23714749). This variant is not present in population databases (ExAC no frequency). For these reasons, this variant has been classified as Pathogenic.

Literature cited by the submitters: PubMed 23714749.

NM_002437.5(MPV17):c.210C>G (p.Tyr70Ter)

Gene: MPV17 (mitochondrial inner membrane protein MPV17; minus strand). Cytogenetic location: 2p23.3.
Variant type: single nucleotide variant.
Coding change: c.210C>G on transcript NM_002437.5 (MANE Select); coding-DNA position 210, C replaced by G.
Protein change: p.Tyr70Ter; replaces tyrosine 70 with a stop codon.
Molecular consequence: nonsense.
Genome position (GRCh38, 1-based): chr2:27,312,749, G>C on the plus strand (C>G on the coding strand, the complement: MPV17 is on the minus strand). VCF-style: chr2-27312749-G-C. GRCh37 (hg19) VCF-style: chr2-27535616-G-C.
Other names: short protein forms Y70*.
Identifiers: ClinVar variation 1397653 (VCV001397653.6), dbSNP rs2148215943, ClinGen allele CA346208937.